The following is an entry in ClinVar:

NM_000392.5(ABCC2):c.1891del (p.Cys631fs)

Gene: ABCC2 (ATP binding cassette subfamily C member 2; plus strand). Cytogenetic location: 10q24.2.
Variant type: Deletion.
Coding change: c.1891del on transcript NM_000392.5 (MANE Select); coding-DNA position 1891, one base deleted (T; older notation c.1891delT).
Protein change: p.Cys631fs; shifts the reading frame from cysteine 631.
Molecular consequence: frameshift variant.
Genome position (GRCh38, 1-based): chr10:99,810,209, T deleted. VCF-style (leftmost placement, unchanged base first): chr10-99810208-CT-C. GRCh37 (hg19) VCF-style: chr10-101569965-CT-C.
Other names: short protein forms C631fs.
Identifiers: ClinVar variation 3127912 (VCV003127912.1), dbSNP rs1280917011, ClinGen allele CA595449826.

ClinVar aggregate classification (germline): Pathogenic (1 of 4 stars; one submission).

Conditions:
Inborn genetic diseases. Identifiers: MedGen C0950123, MeSH D030342.

Allele frequency attached by ClinVar (database versions not stated): gnomAD exomes 0.00001.

Submission:

Ambry Genetics
Classification: Pathogenic for Inborn genetic diseases. Last evaluated: 2023-12-11. Review status: criteria provided, single submitter. Criteria: Ambry Variant Classification Scheme 2023. Collection method: clinical testing. Allele origin: germline.
Comment: The c.1891delT (p.C631Afs*27) alteration, located in exon 14 (coding exon 14) of the ABCC2 gene, consists of a deletion of one nucleotide at position 1891, causing a translational frameshift with a predicted alternate stop codon after 27 amino acids. This alteration is expected to result in loss of function by premature protein truncation or nonsense-mediated mRNA decay. Based on data from gnomAD, this allele has an overall frequency of 0.002% (4/251286) total alleles studied. The highest observed frequency was 0.013% (4/30614) of South Asian alleles. Based on the available evidence, this alteration is classified as pathogenic.